The following is an entry in ClinVar:

NM_000439.5(PCSK1):c.875T>C (p.Val292Ala)

Genes: CAST (calpastatin; plus strand), PCSK1 (proprotein convertase subtilisin/kexin type 1; minus strand), LOC101929710 (uncharacterized LOC101929710; plus strand). Cytogenetic location: 5q15.
Variant type: single nucleotide variant.
Coding change: c.875T>C on transcript NM_000439.5 (MANE Select); coding-DNA position 875, T replaced by C.
Protein change: p.Val292Ala; replaces valine 292 with alanine.
Molecular consequence: missense variant. On other transcripts: intron variant (11).
Genome position (GRCh38, 1-based): chr5:96,412,325, A>G on the plus strand (T>C on the coding strand, the complement: PCSK1 is on the minus strand). VCF-style: chr5-96412325-A-G. GRCh37 (hg19) VCF-style: chr5-95748029-A-G.
Other names: c.734T>C, p.Val245Ala (NM_001177875.2); c.-175+32673A>G (NM_001423254.1, NM_001423259.1, NM_001423255.1 and 6 more transcripts); c.-103+32673A>G (NM_001423253.1); c.-40+32673A>G (NM_001423258.1); short protein forms V245A, V292A.
Identifiers: ClinVar variation 3349439 (VCV003349439.1).

ClinVar aggregate classification (germline): Uncertain significance (0 of 4 stars; one submission).

Conditions:
PCSK1-related disorder. Also called: PCSK1-related condition.

Submission:

PreventionGenetics, part of Exact Sciences
Classification: Uncertain significance for PCSK1-related condition. Last evaluated: 2023-11-01. Review status: no assertion criteria provided. Collection method: clinical testing. Allele origin: germline.
Comment: The PCSK1 c.875T>C variant is predicted to result in the amino acid substitution p.Val292Ala. To our knowledge, this variant has not been reported in the literature or in a large population database, indicating this variant is rare. In vitro functional studies showed function similar to wild-type levels (Supplemental Data Set, Shah et al. 2023. PubMed ID: 36864747). At this time, the clinical significance of this variant is uncertain due to the absence of conclusive functional and genetic evidence.